The following is an entry in ClinVar:

NM_018699.4(PRDM5):c.705G>C (p.Gln235His)

Gene: PRDM5 (PR/SET domain 5; minus strand). Cytogenetic location: 4q27.
Variant type: single nucleotide variant.
Coding change: c.705G>C on transcript NM_018699.4 (MANE Select); coding-DNA position 705, G replaced by C.
Protein change: p.Gln235His; replaces glutamine 235 with histidine.
Molecular consequence: missense variant. On other transcripts: intron variant (3).
Genome position (GRCh38, 1-based): chr4:120,816,870, C>G on the plus strand (G>C on the coding strand, the complement: PRDM5 is on the minus strand). VCF-style: chr4-120816870-C-G. GRCh37 (hg19) VCF-style: chr4-121738025-C-G.
Other names: c.705G>C, p.Gln235His (NM_001379104.1); c.651-296G>C (NM_001300824.2, NM_001379106.1, NM_001300823.2); c.705G>C (NM_018699.2); short protein forms Q235H.
Identifiers: ClinVar variation 198233 (VCV000198233.7), dbSNP rs145114094, ClinGen allele CA246778.

ClinVar aggregate classification (germline): Uncertain significance. Review status: criteria provided, multiple submitters, no conflicts (2 of 4 stars). 2 submissions from 2 submitters: Uncertain significance (2). Last evaluated 2023-02-25.

Conditions:
Cardiovascular phenotype. Identifiers: MedGen CN230736.

Allele frequency attached by ClinVar (database versions not stated): gnomAD exomes below 0.00001; gnomAD 0.00001; TOPMed 0.00001; ESP Exome Variant Server 0.00015.
gnomAD v4.1: 2 of 1,613,786 alleles (0.00012%); highest among the groups gnomAD compares: African/African-American, 0.0013%; no homozygotes.

Submissions (2):

Ambry Genetics
Classification: Uncertain significance for Cardiovascular phenotype. Last evaluated: 2023-02-25. Review status: criteria provided, single submitter. Criteria: Ambry Variant Classification Scheme 2023. Collection method: clinical testing. Allele origin: germline.
Comment: The p.Q235H variant (also known as c.705G>C), located in coding exon 6 of the PRDM5 gene, results from a G to C substitution at nucleotide position 705. The glutamine at codon 235 is replaced by histidine, an amino acid with highly similar properties. This amino acid position is conserved. In addition, this alteration is predicted to be tolerated by in silico analysis. Since supporting evidence is limited at this time, the clinical significance of this alteration remains unclear.

Eurofins Ntd Llc (ga)
Classification: Uncertain significance. Last evaluated: 2015-03-18. Review status: criteria provided, single submitter. Criteria: EGL Classification Definitions 2015. Collection method: clinical testing. Allele origin: germline. Observed: 1 variant allele, 1 heterozygote.